The following is an entry in ClinVar:

NM_032578.4(MYPN):c.3130C>T (p.Arg1044Trp)

Gene: MYPN (myopalladin; plus strand). Cytogenetic location: 10q21.3.
Variant type: single nucleotide variant.
Coding change: c.3130C>T on transcript NM_032578.4 (MANE Select); coding-DNA position 3130, C replaced by T.
Protein change: p.Arg1044Trp; replaces arginine 1044 with tryptophan.
Molecular consequence: missense variant. On other transcripts: non-coding transcript variant (2).
Genome position (GRCh38, 1-based): chr10:68,195,504, C>T. VCF-style: chr10-68195504-C-T. GRCh37 (hg19) VCF-style: chr10-69955261-C-T.
Other names: c.3130C>T, p.Arg1044Trp (NM_001256267.2); c.2248C>T, p.Arg750Trp (NM_001256268.2); short protein forms R1044W, R750W.
Identifiers: ClinVar variation 569410 (VCV000569410.9), dbSNP rs565591812, ClinGen allele CA5522955.

ClinVar aggregate classification (germline): Uncertain significance. Review status: criteria provided, multiple submitters, no conflicts (2 of 4 stars). 2 submissions from 2 submitters: Uncertain significance (2). Last evaluated 2024-12-06.

Conditions:
Dilated cardiomyopathy 1KK (CMD1KK). Identifiers: Orphanet 154, Orphanet 75249, MedGen C3714995, MONDO:0014100, OMIM 615248.
Cardiovascular phenotype. Identifiers: MedGen CN230736.

Allele frequency attached by ClinVar (database versions not stated): gnomAD exomes 0.00001 and 0.00003; gnomAD 0.00002 and 0.00005; ExAC 0.00005; 1000 Genomes Project 0.00060; 1000 Genomes Project 30x 0.00062.
gnomAD v4.1: 22 of 1,614,034 alleles (0.0014%); highest among the groups gnomAD compares: South Asian, 0.012%; no homozygotes.

Submissions (2):

Ambry Genetics
Classification: Uncertain significance for Cardiovascular phenotype. Last evaluated: 2024-12-06. Review status: criteria provided, single submitter. Criteria: Ambry Variant Classification Scheme 2023. Collection method: clinical testing. Allele origin: germline.
Comment: The p.R1044W variant (also known as c.3130C>T), located in coding exon 14 of the MYPN gene, results from a C to T substitution at nucleotide position 3130. The arginine at codon 1044 is replaced by tryptophan, an amino acid with dissimilar properties. This amino acid position is highly conserved in available vertebrate species. In addition, the in silico prediction for this alteration is inconclusive. Since supporting evidence is limited at this time, the clinical significance of this alteration remains unclear.

Labcorp Genetics (formerly Invitae), Labcorp
Classification: Uncertain significance for Dilated cardiomyopathy 1KK. Last evaluated: 2021-12-08. Review status: criteria provided, single submitter. Criteria: Invitae Variant Classification Sherloc (09022015). Collection method: clinical testing. Allele origin: germline.
Comment: This sequence change replaces arginine, which is basic and polar, with tryptophan, which is neutral and slightly polar, at codon 1044 of the MYPN protein (p.Arg1044Trp). This variant is present in population databases (rs565591812, gnomAD 0.02%). This variant has not been reported in the literature in individuals affected with MYPN-related conditions. ClinVar contains an entry for this variant (Variation ID: 569410). Algorithms developed to predict the effect of missense changes on protein structure and function are either unavailable or do not agree on the potential impact of this missense change (SIFT: "Deleterious"; PolyPhen-2: "Benign"; Align-GVGD: "Class C0"). In summary, the available evidence is currently insufficient to determine the role of this variant in disease. Therefore, it has been classified as a Variant of Uncertain Significance.